The following is an entry in ClinVar:

NM_000313.4(PROS1):c.1747A>C (p.Asn583His)

Gene: PROS1 (protein S; minus strand). Cytogenetic location: 3q11.1.
Variant type: single nucleotide variant.
Coding change: c.1747A>C on transcript NM_000313.4 (MANE Select); coding-DNA position 1747, A replaced by C.
Protein change: p.Asn583His; replaces asparagine 583 with histidine.
Molecular consequence: missense variant.
Genome position (GRCh38, 1-based): chr3:93,877,089, T>G on the plus strand (A>C on the coding strand, the complement: PROS1 is on the minus strand). VCF-style: chr3-93877089-T-G. GRCh37 (hg19) VCF-style: chr3-93595933-T-G.
Other names: c.1843A>C, p.Asn615His (NM_001314077.2); short protein forms N583H, N615H.
Identifiers: ClinVar variation 161349 (VCV000161349.9), dbSNP rs139479630, ClinGen allele CA211744.

ClinVar aggregate classification (germline): Uncertain significance. Review status: criteria provided, multiple submitters, no conflicts (2 of 4 stars). 4 submissions from 4 submitters: Uncertain significance (4). Last evaluated 2022-06-14.

Conditions:
Retinal dystrophy. Also called: Inherited retinal dystrophy. Identifiers: Orphanet 71862, MedGen C0854723, MeSH D058499, MONDO:0019118, HP:0000556.
Thrombophilia due to protein S deficiency, autosomal recessive (THPH6). Identifiers: Orphanet 743, MedGen C3281092, MONDO:0013791, OMIM 614514. Disease mechanism: loss of function.
Thrombophilia due to protein S deficiency, autosomal dominant (THPH5). Identifiers: Orphanet 26349, Orphanet 743, MedGen C3278211, MONDO:0012868, OMIM 612336. Disease mechanism: loss of function.

Allele frequency attached by ClinVar (database versions not stated): gnomAD 0.00012 and 0.00014; TOPMed 0.00015; ESP Exome Variant Server 0.00008; gnomAD exomes 0.00011 and 0.00019; ExAC 0.00012.
gnomAD v4.1: 295 of 1,612,910 alleles (0.018%); highest among the groups gnomAD compares: Non-Finnish European, 0.023%; no homozygotes.

Submissions (4):

Labcorp Genetics (formerly Invitae), Labcorp
Classification: Uncertain significance for Thrombophilia due to protein S deficiency, autosomal recessive. Last evaluated: 2022-06-14. Review status: criteria provided, single submitter. Criteria: Invitae Variant Classification Sherloc (09022015). Collection method: clinical testing. Allele origin: germline.
Comment: This sequence change replaces asparagine, which is neutral and polar, with histidine, which is basic and polar, at codon 583 of the PROS1 protein (p.Asn583His). This variant is present in population databases (rs139479630, gnomAD 0.02%). This missense change has been observed in individual(s) with PROS1 deficiency (PMID: 15712227, 22627591). ClinVar contains an entry for this variant (Variation ID: 161349). Algorithms developed to predict the effect of missense changes on protein structure and function output the following: SIFT: "Tolerated"; PolyPhen-2: "Benign"; Align-GVGD: "Class C0". The histidine amino acid residue is found in multiple mammalian species, which suggests that this missense change does not adversely affect protein function. Experimental studies have shown that this missense change does not substantially affect PROS1 function (PMID: 15712227). In summary, the available evidence is currently insufficient to determine the role of this variant in disease. Therefore, it has been classified as a Variant of Uncertain Significance.

Fulgent Genetics
Classification: Uncertain significance for Thrombophilia due to protein S deficiency, autosomal dominant; Thrombophilia due to protein S deficiency, autosomal recessive. Last evaluated: 2022-02-17. Review status: criteria provided, single submitter. Criteria: ACMG Guidelines, 2015. Collection method: clinical testing. Allele origin: unknown.

Institute of Human Genetics, Univ. Regensburg, Univ. Regensburg
Classification: Uncertain significance for Retinal dystrophy. Last evaluated: 2022-01-01. Review status: criteria provided, single submitter. Criteria: ACMG Guidelines, 2015. Collection method: clinical testing. Allele origin: germline. Affected: yes.

CSER _CC_NCGL, University of Washington
Classification: Uncertain significance for Protein S deficiency. Last evaluated: 2014-06-01. Review status: criteria provided, single submitter. Criteria: Amendola et al. (Genome Res. 2015). Collection method: research. Allele origin: germline. Inheritance: Autosomal dominant inheritance. Study: ESP 6500 variant annotation.
Comment: Low GERP score may suggest that this variant may belong in a lower pathogenicity class

Variants classified for the Actionable exomic incidental findings in 6503 participants: challenges of variant classification manuscript

Literature cited by the submitters: PubMed 15712227 (cited by Labcorp Genetics (formerly Invitae), Labcorp); PubMed 22627591 (cited by Labcorp Genetics (formerly Invitae), Labcorp and Institute of Human Genetics, Univ. Regensburg, Univ. Regensburg); PubMed 25637381 (cited by Institute of Human Genetics, Univ. Regensburg, Univ. Regensburg); PubMed 34426522 (cited by Institute of Human Genetics, Univ. Regensburg, Univ. Regensburg).